The following is an entry in ClinVar:

ClinVar aggregate classification (germline): Likely pathogenic (1 of 4 stars; one submission).

Conditions:
Finnish congenital nephrotic syndrome (NPHS1). Also called: NEPHROTIC SYNDROME, TYPE 1. Identifiers: Orphanet 839, MedGen C0403399, MONDO:0009732, OMIM 256300.

Submission:

Myriad Genetics, Inc.
Classification: Likely pathogenic for Finnish congenital nephrotic syndrome. Last evaluated: 2022-03-30. Review status: criteria provided, single submitter. Criteria: Myriad Women's Health Autosomal Recessive and X-Linked Classification Criteria (2021). Collection method: clinical testing. Allele origin: unknown.
Comment: NM_004646.3(NPHS1):c.547_548insC(I183Tfs*29) is expected to be pathogenic in the context of nephrotic syndrome, NPHS1-related. This variant is predicted to lead to an abnormal or absent protein product due to the creation of a premature termination codon in NPHS1, a gene where loss-of-function variants are known to be pathogenic. Please note: this variant was assessed in the context of healthy population screening.

NM_004646.4(NPHS1):c.547_548insC (p.Ile183fs)

Gene: NPHS1 (NPHS1 adhesion molecule, nephrin; minus strand). Cytogenetic location: 19q13.12.
Variant type: Insertion.
Coding change: c.547_548insC on transcript NM_004646.4 (MANE Select); coding-DNA positions 547 to 548, C inserted.
Protein change: p.Ile183fs; shifts the reading frame from isoleucine 183.
Molecular consequence: frameshift variant.
Genome position: GRCh38 VCF-style: chr19-35850424-A-AG. GRCh37 (hg19) VCF-style: chr19-36341326-A-AG.
Other names: short protein forms I183fs.
Identifiers: ClinVar variation 1725592 (VCV001725592.2), dbSNP rs2513782223, ClinGen allele CA2580096893.
Genomic context (GRCh38, chr19:35,850,424, plus strand): 5'-CTGGCTGTGGCCTCCACAGTGAAGAGTTTCTGCTGGGAGCCCTCGTTCACGTTTGCAGAG[A>AG]TGTCAGATATTGTCTGTCCACCTTGGGGCAGCAAGAGGGCTAGAGGGGTTCCAGGCTCCC-3'